The following is an entry in ClinVar:

NM_000334.4(SCN4A):c.4041T>G (p.Tyr1347Ter)

Genes: GH-LCR (growth hormone locus control region; plus strand), SCN4A (sodium voltage-gated channel alpha subunit 4; minus strand). Cytogenetic location: 17q23.3.
Variant type: single nucleotide variant.
Coding change: c.4041T>G on transcript NM_000334.4 (MANE Select); coding-DNA position 4041, T replaced by G.
Protein change: p.Tyr1347Ter; replaces tyrosine 1347 with a stop codon.
Molecular consequence: nonsense.
Genome position (GRCh38, 1-based): chr17:63,943,073, A>C on the plus strand (T>G on the coding strand, the complement: SCN4A is on the minus strand). VCF-style: chr17-63943073-A-C. GRCh37 (hg19) VCF-style: chr17-62020433-A-C.
Other names: p.Tyr1347*; p.Tyr1347Ter; short protein forms Y1347*.
Identifiers: ClinVar variation 4073613 (VCV004073613.1).
Genomic context (GRCh38, chr17:63,943,073, plus strand): 5'-CATGTTGAGGCAGATGAGGATCATGATGGTGATGTCGAAGGCCTGCTTCGTCACGAGGTC[A>C]TACACCATGCCCTGGATCTTGTTCTGCAGCATGGGTGGGAGTGGATGTGGAGGAGTTGGG-3'

ClinVar aggregate classification (germline): Likely pathogenic (1 of 4 stars; one submission).

Conditions:
Hypokalemic periodic paralysis, type 2 (HOKPP2). Identifiers: Orphanet 681, MedGen C2750061, MONDO:0013234, OMIM 613345.

Submission:

Molecular Genetics and NGS Laboratory, Hospital Fundacion Valle Del Lili
Classification: Likely pathogenic for Hypokalemic periodic paralysis, type 2. Review status: criteria provided, single submitter. Criteria: ACMG Guidelines, 2015. Collection method: clinical testing. Allele origin: unknown. Inheritance: Autosomal dominant inheritance. Affected: yes. Observed: 1 heterozygote.
Comment: An individual exome sequencing identified a novel heterozygous variant in the SCN4A gene (NM_000334 c.4041T>G; p.Tyr1347), located in exon 23, classified as likely pathogenic according to the American College of Medical Genetics and Genomics (ACMG) criteria PVS1 and PM2. PVS1: Null variant (nonsense) in gene SCN4A, predicted to cause NMD. Loss-of-function is a known mechanism of disease (gene has 42 reported pathogenic LOF variants). The exon contains 10 pathogenic variants. The truncated region contains 57 pathogenic variants. PM2: VarIant not found in gnomAD genomes, good gnomAD genomes coverage 31.4. Variant not found in gnomAD exomes, good gnomAD exomes coverage = 39.6